The following is an entry in ClinVar:

ClinVar aggregate classification (germline): Uncertain significance (1 of 4 stars; one submission).

Conditions:
FBRSL1-related disorder. Also called: FBRSL1-related condition.

Submission:

PreventionGenetics, part of Exact Sciences
Classification: Uncertain significance for FBRSL1-related condition. Last evaluated: 2026-03-12. Review status: criteria provided, single submitter. Criteria: ACMG Guidelines, 2015. Collection method: clinical testing. Allele origin: germline.
Comment: The FBRSL1 c.117G>C variant is predicted to result in the amino acid substitution p.Glu39Asp. To our knowledge, this variant has not been reported in the literature or in a large population database (gnomAD), indicating this variant is rare. At this time, the clinical significance of this variant is uncertain due to the absence of conclusive functional and genetic evidence.

NM_001367871.1(FBRSL1):c.117G>C (p.Glu39Asp)

Gene: FBRSL1 (fibrosin like 1; plus strand). Cytogenetic location: 12q24.33.
Variant type: single nucleotide variant.
Coding change: c.117G>C on transcript NM_001367871.1 (MANE Select); coding-DNA position 117, G replaced by C.
Protein change: p.Glu39Asp; replaces glutamic acid 39 with aspartic acid.
Molecular consequence: missense variant. On other transcripts: non-coding transcript variant (1).
Genome position (GRCh38, 1-based): chr12:132,490,687, G>C. VCF-style: chr12-132490687-G-C. GRCh37 (hg19) VCF-style: chr12-133067273-G-C.
Other names: c.117G>C, p.Glu39Asp (NM_001142641.2, NM_001382739.1, NM_001382740.1 and 2 more transcripts); short protein forms E39D.
Identifiers: ClinVar variation 4995757 (VCV004995757.1).